The following is an entry in ClinVar:

ClinVar aggregate classification (germline): Uncertain significance (1 of 4 stars; one submission).

Submission:

ISCA site 15
Classification: Uncertain significance. Last evaluated: 2011-08-12. Review status: criteria provided, single submitter. Criteria: Kaminsky et al. (Genet Med. 2011). Collection method: clinical testing. Allele origin: unknown. Affected: yes. Observed: 1 variant allele.
Comment: Copy number variation identified through the course of routine clinical cytogenomic testing in postnatal populations. Clinical assertions have been curated as described in Kaminsky et al. 2011.

GRCh38/hg38 Xq13.2-13.3(chrX:74383490-74837752)x2

Genes: NEXMIF (neurite extension and migration factor; minus strand), RLIM (ring finger protein, LIM domain interacting; minus strand), SLC16A2 (solute carrier family 16 member 2; plus strand), LOC126863281 (BRD4-independent group 4 enhancer GRCh37_chrX:73915317-73916516; plus strand), LOC130068443 (ATAC-STARR-seq lymphoblastoid active region 29766; plus strand) and 2 more. Cytogenetic location: Xq13.2-13.3.
Variant type: copy number gain.
Change: copy number 2 of chrX:74,383,490-74,837,752 (454.3 kb, GRCh38 coordinates, 1-based), cytogenetic band Xq13.2-13.3.
Identifiers: ClinVar variation 60333 (VCV000060333.1).